The following is an entry in ClinVar:

NM_001035.3(RYR2):c.3423+6T>G

Gene: RYR2 (ryanodine receptor 2; plus strand). Cytogenetic location: 1q43.
Variant type: single nucleotide variant.
Coding change: c.3423+6T>G on transcript NM_001035.3 (MANE Select); 6 bases into the intron after coding-DNA position 3423, T replaced by G.
Molecular consequence: intron variant.
Genome position (GRCh38, 1-based): chr1:237,566,781, T>G. VCF-style: chr1-237566781-T-G. GRCh37 (hg19) VCF-style: chr1-237730081-T-G.
Other names: c.3423+6T>G (LRG_402t1).
Identifiers: ClinVar variation 384453 (VCV000384453.18), dbSNP rs1057521957, ClinGen allele CA16603607.

ClinVar aggregate classification (germline): Conflicting classifications of pathogenicity. Review status: criteria provided, conflicting classifications (1 of 4 stars). 5 submissions from 5 submitters: Uncertain significance (1); Likely benign (4). Last evaluated 2026-09-21.

Conditions:
Catecholaminergic polymorphic ventricular tachycardia 1. Also called: RYR2-Related Catecholaminergic Polymorphic Ventricular Tachycardia; VENTRICULAR TACHYCARDIA, STRESS-INDUCED POLYMORPHIC 1; VENTRICULAR TACHYCARDIA, CATECHOLAMINERGIC POLYMORPHIC, 1, WITH OR WITHOUT ATRIAL DYSFUNCTION AND/OR DILATED CARDIOMYOPATHY. Identifiers: Orphanet 3286, MedGen C1631597, MONDO:0011484, OMIM 604772.
Cardiomyopathy (CMYO). Also called: Cardiomyopathies. Identifiers: Orphanet 167848, MedGen C0878544, MONDO:0004994, HP:0001638. Inheritance: Various modes of inheritance.

Allele frequency attached by ClinVar (database versions not stated): gnomAD 0.00003 and 0.00002; TOPMed below 0.00001.
gnomAD v4.1: 11 of 1,613,722 alleles (0.00068%); highest among the groups gnomAD compares: African/African-American, 0.012%; no homozygotes.

Submissions (5):

Molecular Diagnostic Laboratory for Inherited Cardiovascular Disease, Montreal Heart Institute
Classification: Likely benign. Last evaluated: 2026-09-21. Review status: criteria provided, single submitter. Criteria: ACMG Guidelines, 2015. Collection method: clinical testing. Allele origin: germline. Affected: no.
Comment: BS1, BP4

Labcorp Genetics (formerly Invitae), Labcorp
Classification: Likely benign for Catecholaminergic polymorphic ventricular tachycardia 1. Last evaluated: 2026-01-26. Review status: criteria provided, single submitter. Criteria: Invitae Variant Classification Sherloc (09022015). Collection method: clinical testing. Allele origin: germline.

Color Diagnostics, LLC DBA Color Health
Classification: Likely benign for Cardiomyopathy. Last evaluated: 2025-05-30. Review status: criteria provided, single submitter. Criteria: ACMG Guidelines, 2015. Collection method: clinical testing. Allele origin: germline.

GeneDx
Classification: Likely benign. Last evaluated: 2019-08-05. Review status: criteria provided, single submitter. Criteria: GeneDx Variant Classification Process June 2021. Collection method: clinical testing. Allele origin: germline. Affected: yes.

CHEO Genetics Diagnostic Laboratory, Children's Hospital of Eastern Ontario
Classification: Uncertain significance for Cardiomyopathy. Last evaluated: 2017-03-09. Review status: criteria provided, single submitter. Criteria: ACMG Guidelines, 2015. Collection method: clinical testing. Allele origin: germline. Study: Canadian Open Genetics Repository.